The following is an entry in ClinVar:

ClinVar aggregate classification (germline): Uncertain significance (1 of 4 stars; one submission).

Conditions:
Combined oxidative phosphorylation defect type 14. Also called: Combined oxidative phosphorylation deficiency 14. Identifiers: Orphanet 319519, MedGen C4755312, MONDO:0013986, OMIM 614946.

Submission:

Labcorp Genetics (formerly Invitae), Labcorp
Classification: Uncertain significance for Combined oxidative phosphorylation defect type 14. Last evaluated: 2022-10-13. Review status: criteria provided, single submitter. Criteria: Invitae Variant Classification Sherloc (09022015). Collection method: clinical testing. Allele origin: germline.
Comment: This variant results in a copy number gain of the genomic region encompassing exon(s) 2-3 of the FARS2 gene. This region includes the initiator codon of the gene. This copy number gain extends beyond the assayed region for this gene and therefore may encompass additional genes. As the precise location of this event is unknown, it may be in tandem or it may be located elsewhere in the genome. This variant has not been reported in the literature in individuals affected with FARS2-related conditions. Experimental studies and prediction algorithms are not available or were not evaluated, and the functional significance of this variant is currently unknown. In summary, the available evidence is currently insufficient to determine the role of this variant in disease. Therefore, it has been classified as a Variant of Uncertain Significance.

NC_000006.11:g.(?_5368804)_(5404954_?)dup

Gene: FARS2 (phenylalanyl-tRNA synthetase 2, mitochondrial; plus strand). Cytogenetic location: 6p25.1.
Variant type: Duplication.
Identifiers: ClinVar variation 2425610 (VCV002425610.3).